The following is an entry in ClinVar:

NM_001355263.2(NUTM2E):c.1680G>A (p.Pro560=)

Gene: NUTM2E (NUT family member 2E; plus strand). Cytogenetic location: 10q22.3.
Variant type: single nucleotide variant.
Coding change: c.1680G>A on transcript NM_001355263.2 (MANE Select); coding-DNA position 1680, G replaced by A.
Protein change: p.Pro560=; no amino-acid change (proline 560 retained).
Molecular consequence: synonymous variant.
Genome position (GRCh38, 1-based): chr10:79,848,841, G>A. VCF-style: chr10-79848841-G-A. GRCh37 (hg19) VCF-style: chr10-81608597-G-A.
Identifiers: ClinVar variation 2640650 (VCV002640650.24), dbSNP rs773013947, ClinGen allele CA5574887.
Genomic context (GRCh38, chr10:79,848,841, plus strand): 5'-ACAACGGGAAGAGGGCAAAGTGAAGCAGCCACAGGAAGAGGACTGGACGCCCCCAGACCC[G>A]GGCCTCCTGAGCTACATTGACAAGCTGTGTTCCCAGAAAGACTTCGTCACCAAGGTGGGC-3'
Protein context (NP_001342192.1, residues 550-570): PQEEDWTPPD[Pro560=]GLLSYIDKLC

ClinVar aggregate classification (germline): Likely benign (1 of 4 stars; one submission).

Allele frequency attached by ClinVar (database versions not stated): 1000 Genomes Project 30x 0.00047; ExAC 0.00085.

Submission:

CeGaT Center for Human Genetics Tuebingen
Classification: Likely benign. Last evaluated: 2026-06-01. Review status: criteria provided, single submitter. Criteria: CeGaT Center For Human Genetics Tuebingen Variant Classification Criteria Version 2. Collection method: clinical testing. Allele origin: germline. Affected: yes. Observed: 2 variant alleles.
Comment: NUTM2E: BP4, BP7